The following is an entry in ClinVar:

ClinVar aggregate classification (germline): Likely benign. Review status: criteria provided, multiple submitters, no conflicts (2 of 4 stars). 2 submissions from 2 submitters: Likely benign (2). Last evaluated 2025-12-22.

Conditions:
ANKRD1-related disorder. Also called: ANKRD1-related condition.

Submissions (2):

PreventionGenetics, part of Exact Sciences
Classification: Likely benign for ANKRD1-related condition. Last evaluated: 2025-12-22. Review status: criteria provided, single submitter. Criteria: ACMG Guidelines, 2015. Collection method: clinical testing. Allele origin: germline.
Comment: This variant is classified as likely benign based on ACMG/AMP sequence variant interpretation guidelines (Richards et al. 2015 PMID: 25741868, with internal and published modifications).

Blueprint Genetics
Classification: Likely benign. Last evaluated: 2024-09-12. Review status: criteria provided, single submitter. Criteria: ACMG Guidelines, 2015. Collection method: clinical testing. Allele origin: germline.

NM_014391.3(ANKRD1):c.346-43AT[10]

Gene: ANKRD1 (ankyrin repeat domain 1; minus strand). Cytogenetic location: 10q23.31.
Variant type: Microsatellite.
Coding change: c.346-43AT[10] on transcript NM_014391.3 (MANE Select); ten copies in a row of the 2-base unit AT starting at c.346-43; the reference has 12 copies in a row; two copies, 4 bases deleted.
Molecular consequence: intron variant.
Genome position (GRCh38, 1-based): chr10:90,918,992-90,918,995, ATAT deleted on the plus strand (ATAT on the coding strand, the reverse complement: ANKRD1 is on the minus strand); deleting any 4 consecutive bases within chr10:90,918,992-90,919,016 gives the same sequence; the position shown is the placement nearest the transcript's 3' end. VCF-style (leftmost placement, unchanged base first): chr10-90918991-AATAT-A. GRCh37 (hg19) VCF-style: chr10-92678748-AATAT-A.
Other names: c.346-23_346-20delATAT (NM_014391.2).
Identifiers: ClinVar variation 4908701 (VCV004908701.2).
Genomic context (GRCh38, chr10:90,918,991, plus strand): 5'-CAGAGCAGCCTTCAGAAACGTAGGCACATCCACAGGTTCCGTCTAAAGCCAAAATAAATA[AATAT>A]ATATATATATATATATATATAGCATGAGAGTTACCGTGAGCTTGCCAGCATTCAATCAAA-3'